The following is an entry in ClinVar:

ClinVar aggregate classification (germline): Conflicting classifications of pathogenicity. Review status: criteria provided, conflicting classifications (1 of 4 stars). 3 submissions from 3 submitters: Likely pathogenic (2); Uncertain significance (1). Last evaluated 2025-03-24.

Conditions:
Hemochromatosis type 2A (HFE2A). Also called: Adult-Onset Hemochromatosis; HJV (HFE2)-Related Juvenile Hemochromatosis. Identifiers: Orphanet 79230, MedGen C1865614, MONDO:0011216, OMIM 602390.

Allele frequency attached by ClinVar (database versions not stated): TOPMed 0.00001; ExAC 0.00002.
gnomAD v4.1: 7 of 1,614,142 alleles (0.00043%); highest among the groups gnomAD compares: Admixed American, 0.0033%; no homozygotes.

Submissions (3):

Natera, Inc.
Classification: Likely pathogenic for Hemochromatosis type 2A. Last evaluated: 2025-03-24. Review status: criteria provided, single submitter. Criteria: Natera Variant Classification Schema (03/2026). Collection method: clinical testing. Allele origin: germline.
Comment: The c.862C>T variant in HJV is a missense variant predicted to cause substitution of arginine to tryptophan at amino acid 288. This variant is rare in the general population with a frequency below the threshold expected for the associated phenotype(s). This variant has been observed in one or more individuals affected with the associated recessive disease, as either homozygous or compound heterozygous with a second variant (PMID: 14982873, 30389309). Additionally, this variant has been observed to segregate in affected family members (PMID: 15315789, 30389309). Computational prediction algorithms indicate this variant is likely to affect gene or protein function. Given the available evidence, this variant is classified as Likely Pathogenic.

Women's Health and Genetics/Laboratory Corporation of America, LabCorp
Classification: Likely pathogenic for Hemochromatosis type 2A. Last evaluated: 2023-12-14. Review status: criteria provided, single submitter. Criteria: LabCorp Variant Classification Summary - May 2015. Collection method: clinical testing. Allele origin: germline.
Comment: Variant summary: HJV c.862C>T (p.Arg288Trp) results in a non-conservative amino acid change located in the Repulsive guidance molecule, C-terminal (IPR009496) of the encoded protein sequence. Four of four in-silico tools predict a damaging effect of the variant on protein function. The variant allele was found at a frequency of 1.6e-05 in 251486 control chromosomes. c.862C>T has been reported in the literature in multiple homozygous individuals affected with Hemochromatosis Type 2A (Hamdi-Roz_2009, Filali_2004) and shown to segregate with disease. These data indicate that the variant is very likely to be associated with disease. To our knowledge, no experimental evidence demonstrating an impact on protein function has been reported. The following publications have been ascertained in the context of this evaluation (PMID: 15315789, 30389309, 14982873). One submitter has cited clinical-significance assessments for this variant to ClinVar after 2014 and has classified the variant as uncertain significance. Based on the evidence outlined above, the variant was classified as likely pathogenic.

Labcorp Genetics (formerly Invitae), Labcorp
Classification: Uncertain significance. Last evaluated: 2022-09-22. Review status: criteria provided, single submitter. Criteria: Invitae Variant Classification Sherloc (09022015). Collection method: clinical testing. Allele origin: germline.
Comment: This sequence change replaces arginine, which is basic and polar, with tryptophan, which is neutral and slightly polar, at codon 288 of the HJV protein (p.Arg288Trp). This variant is present in population databases (rs782493762, gnomAD 0.006%). This missense change has been observed in individuals with juvenile hemochromatosis (PMID: 14982873, 15315789, 30389309). It has also been observed to segregate with disease in related individuals. Algorithms developed to predict the effect of missense changes on protein structure and function (SIFT, PolyPhen-2, Align-GVGD) all suggest that this variant is likely to be disruptive. In summary, the available evidence is currently insufficient to determine the role of this variant in disease. Therefore, it has been classified as a Variant of Uncertain Significance.

Literature cited by the submitters: PubMed 14982873 (cited by 3 submitters); PubMed 30389309 (cited by 3 submitters); PubMed 15315789 (cited by 3 submitters).

NM_213653.4(HJV):c.862C>T (p.Arg288Trp)

Gene: HJV (hemojuvelin BMP co-receptor; minus strand). Cytogenetic location: 1q21.1.
Variant type: single nucleotide variant.
Coding change: c.862C>T on transcript NM_213653.4 (MANE Select); coding-DNA position 862, C replaced by T.
Protein change: p.Arg288Trp; replaces arginine 288 with tryptophan.
Molecular consequence: missense variant.
Genome position (GRCh38, 1-based): chr1:146,018,496, G>A on the plus strand (C>T on the coding strand, the complement: HJV is on the minus strand). VCF-style: chr1-146018496-G-A. GRCh37 (hg19) VCF-style: chr1-145416517-C-T.
Other names: c.184C>T, p.Arg62Trp (NM_001316767.2, NM_202004.4, NM_213652.4); c.862C>T, p.Arg288Trp (NM_001379352.1); c.523C>T, p.Arg175Trp (NM_145277.5); c.862C>T (NM_213653.3); short protein forms R62W, R175W, R288W.
Identifiers: ClinVar variation 1985059 (VCV001985059.3), dbSNP rs782493762, ClinGen allele CA1053907.